The following is an entry in ClinVar:

NM_001205293.3(CACNA1E):c.6853C>T (p.Arg2285Trp)

Gene: CACNA1E (calcium voltage-gated channel subunit alpha1 E; plus strand). Cytogenetic location: 1q25.3.
Variant type: single nucleotide variant.
Coding change: c.6853C>T on transcript NM_001205293.3 (MANE Select); coding-DNA position 6853, C replaced by T.
Protein change: p.Arg2285Trp; replaces arginine 2285 with tryptophan.
Molecular consequence: missense variant.
Genome position (GRCh38, 1-based): chr1:181,798,745, C>T. VCF-style: chr1-181798745-C-T. GRCh37 (hg19) VCF-style: chr1-181767881-C-T.
Other names: c.6853C>T (NM_001205293.1); c.6724C>T, p.Arg2242Trp (NM_000721.4); c.6667C>T, p.Arg2223Trp (NM_001205294.2); short protein forms R2223W, R2242W, R2285W.
Identifiers: ClinVar variation 2575042 (VCV002575042.4), dbSNP rs769784112, ClinGen allele CA1276507.

ClinVar aggregate classification (germline): Conflicting classifications of pathogenicity. Review status: criteria provided, conflicting classifications (1 of 4 stars). 3 submissions from 3 submitters: Uncertain significance (1); Likely benign (2). Last evaluated 2025-10-20.

Conditions:
Inborn genetic diseases. Identifiers: MedGen C0950123, MeSH D030342.

Allele frequency attached by ClinVar (database versions not stated): ExAC 0.00002; gnomAD 0.00001; gnomAD exomes 0.00001; TOPMed 0.00001.
gnomAD v4.1: 19 of 1,605,054 alleles (0.0012%); highest among the groups gnomAD compares: Admixed American, 0.0034%; no homozygotes.

Submissions (3):

Labcorp Genetics (formerly Invitae), Labcorp
Classification: Likely benign. Last evaluated: 2025-10-20. Review status: criteria provided, single submitter. Criteria: Invitae Variant Classification Sherloc (09022015). Collection method: clinical testing. Allele origin: germline.

Ambry Genetics
Classification: Likely benign for Inborn genetic diseases. Last evaluated: 2024-04-17. Review status: criteria provided, single submitter. Criteria: Ambry Variant Classification Scheme 2023. Collection method: clinical testing. Allele origin: germline.

GeneDx
Classification: Uncertain significance. Last evaluated: 2023-02-03. Review status: criteria provided, single submitter. Criteria: GeneDx Variant Classification Process June 2021. Collection method: clinical testing. Allele origin: germline. Affected: yes.
Comment: In silico analysis supports that this missense variant has a deleterious effect on protein structure/function; Has not been previously published as pathogenic or benign to our knowledge